The following is an entry in ClinVar:

NM_004036.5(ADCY3):c.1666G>A (p.Asp556Asn)

Gene: ADCY3 (adenylate cyclase 3; minus strand). Cytogenetic location: 2p23.3.
Variant type: single nucleotide variant.
Coding change: c.1666G>A on transcript NM_004036.5 (MANE Select); coding-DNA position 1666, G replaced by A.
Protein change: p.Asp556Asn; replaces aspartic acid 556 with asparagine.
Molecular consequence: missense variant.
Genome position (GRCh38, 1-based): chr2:24,834,933, C>T on the plus strand (G>A on the coding strand, the complement: ADCY3 is on the minus strand). VCF-style: chr2-24834933-C-T. GRCh37 (hg19) VCF-style: chr2-25057802-C-T.
Other names: c.1666G>A, p.Asp556Asn (NM_001320613.2, NM_001377129.1, NM_001377130.1 and 1 more transcripts); c.1732G>A, p.Asp578Asn (NM_001377128.1); c.943G>A, p.Asp315Asn (NM_001377131.1); c.1666G>A (NM_004036.3); short protein forms D315N, D556N, D578N.
Identifiers: ClinVar variation 3352970 (VCV003352970.2).
Genomic context (GRCh38, chr2:24,834,933, plus strand): 5'-CTCGGTCAGCCAGGTCCTGCAGGCGCAGCCTCCGGCGTGGGTTGGGGAATGAGGGGTTGT[C>T]GGCCTGTGAGCCAGGGAGGCAGCGTGAGTGGGGCAGATGGGACAGAGTGGTGGGGAAGAG-3'
Protein context (NP_004027.2, residues 546-566): EKPEEQDAQA[Asp556Asn]NPSFPNPRRR

ClinVar aggregate classification (germline): Uncertain significance. Review status: criteria provided, single submitter (1 of 4 stars). 2 submissions from 2 submitters: Uncertain significance (1). 1 of the submissions does not count toward it. Last evaluated 2025-07-11.

Conditions:
ADCY3-related disorder. Also called: ADCY3-related condition.
Inborn genetic diseases. Identifiers: MedGen C0950123, MeSH D030342.

gnomAD v4.1: 15 of 1,612,904 alleles (0.00093%); highest among the groups gnomAD compares: African/African-American, 0.008%; no homozygotes.

Submissions (2):

Ambry Genetics
Classification: Uncertain significance for Inborn genetic diseases. Last evaluated: 2025-07-11. Review status: criteria provided, single submitter. Criteria: Ambry Variant Classification Scheme 2023. Collection method: clinical testing. Allele origin: germline.

PreventionGenetics, part of Exact Sciences
Classification: Uncertain significance for ADCY3-related condition. Last evaluated: 2024-04-26. Review status: no assertion criteria provided. Collection method: clinical testing. Allele origin: germline. Not counted in ClinVar's aggregate classification.
Comment: The ADCY3 c.1666G>A variant is predicted to result in the amino acid substitution p.Asp556Asn. To our knowledge, this variant has not been reported in the literature. This variant is reported in 0.0040% of alleles in individuals of African descent in gnomAD. At this time, the clinical significance of this variant is uncertain due to the absence of conclusive functional and genetic evidence.